The following is an entry in ClinVar:

NM_000257.4(MYH7):c.4993G>A (p.Asp1665Asn)

Genes: MHRT (myosin heavy chain associated RNA transcript; plus strand), MYH7 (myosin heavy chain 7; minus strand), LOC126861897 (BRD4-independent group 4 enhancer GRCh37_chr14:23884455-23885654; plus strand). Cytogenetic location: 14q11.2.
Variant type: single nucleotide variant.
Coding change: c.4993G>A on transcript NM_000257.4 (MANE Select); coding-DNA position 4993, G replaced by A.
Protein change: p.Asp1665Asn; replaces aspartic acid 1665 with asparagine.
Molecular consequence: missense variant. On other transcripts: non-coding transcript variant (1).
Genome position (GRCh38, 1-based): chr14:23,415,793, C>T on the plus strand (G>A on the coding strand, the complement: MYH7 is on the minus strand). VCF-style: chr14-23415793-C-T. GRCh37 (hg19) VCF-style: chr14-23885002-C-T.
Other names: c.4993G>A (NM_000257.2); short protein forms D1665N.
Identifiers: ClinVar variation 846989 (VCV000846989.10), dbSNP rs769528619, ClinGen allele CA044655.

ClinVar aggregate classification (germline): Uncertain significance. Review status: criteria provided, multiple submitters, no conflicts (2 of 4 stars). 4 submissions from 4 submitters: Uncertain significance (4). Last evaluated 2025-07-10.

Conditions:
Cardiomyopathy (CMYO). Also called: Cardiomyopathies. Identifiers: Orphanet 167848, MedGen C0878544, MONDO:0004994, HP:0001638. Inheritance: Various modes of inheritance.
Hypertrophic cardiomyopathy. Also called: HYPERTROPHIC MYOCARDIOPATHY. Identifiers: Orphanet 217569, MedGen C0007194, MeSH D002312, MONDO:0005045, HP:0001639.

Allele frequency attached by ClinVar (database versions not stated): gnomAD exomes 0.00001 and below 0.00001; ExAC 0.00001.
gnomAD v4.1: 5 of 1,614,222 alleles (0.00031%); highest among the groups gnomAD compares: Non-Finnish European, 0.00034%; no homozygotes.

Submissions (4):

GeneDx
Classification: Uncertain significance. Last evaluated: 2025-07-10. Review status: criteria provided, single submitter. Criteria: GeneDx Variant Classification Process June 2021. Collection method: clinical testing. Allele origin: germline. Affected: yes.
Comment: Not observed at significant frequency in large population cohorts (gnomAD); In silico analysis suggests that this missense variant does not alter protein structure/function; Has not been previously published as pathogenic or benign to our knowledge

All of Us Research Program, National Institutes of Health
Classification: Uncertain significance for Cardiomyopathy. Last evaluated: 2023-10-23. Review status: criteria provided, single submitter. Criteria: ACMG Guidelines, 2015. Collection method: clinical testing. Allele origin: germline. Inheritance: Autosomal dominant inheritance. Observed: 1 variant allele, 1 heterozygote.
Comment: This missense variant replaces aspartic acid with asparagine at codon 1665 of the MYH7 protein. Computational prediction suggests that this variant may not impact protein structure and function (internally defined REVEL score threshold <= 0.5, PMID: 27666373). To our knowledge, functional studies have not been reported for this variant. This variant has not been reported in individuals affected with MYH7-related disorders in the literature. This variant has been identified in 3/251422 chromosomes in the general population by the Genome Aggregation Database (gnomAD). The available evidence is insufficient to determine the role of this variant in disease conclusively. Therefore, this variant is classified as a Variant of Uncertain Significance.

This study involves interpretation of variants in research participants for the purpose of population health screening. Participant phenotype was not available at the time of variant classification. Additional details can be found in publication PMID: 35346344, PMCID: PMC8962531

Color Diagnostics, LLC DBA Color Health
Classification: Uncertain significance for Cardiomyopathy. Last evaluated: 2023-10-04. Review status: criteria provided, single submitter. Criteria: ACMG Guidelines, 2015. Collection method: clinical testing. Allele origin: germline.
Comment: This missense variant replaces aspartic acid with asparagine at codon 1665 of the MYH7 protein. Computational prediction suggests that this variant may not impact protein structure and function. To our knowledge, functional studies have not been reported for this variant. This variant has not been reported in individuals affected with MYH7-related disorders in the literature. This variant has been identified in 3/251422 chromosomes in the general population by the Genome Aggregation Database (gnomAD). The available evidence is insufficient to determine the role of this variant in disease conclusively. Therefore, this variant is classified as a Variant of Uncertain Significance.

Labcorp Genetics (formerly Invitae), Labcorp
Classification: Uncertain significance for Hypertrophic cardiomyopathy. Last evaluated: 2022-01-19. Review status: criteria provided, single submitter. Criteria: Invitae Variant Classification Sherloc (09022015). Collection method: clinical testing. Allele origin: germline.
Comment: In summary, the available evidence is currently insufficient to determine the role of this variant in disease. Therefore, it has been classified as a Variant of Uncertain Significance. Algorithms developed to predict the effect of missense changes on protein structure and function are either unavailable or do not agree on the potential impact of this missense change (SIFT: "Deleterious"; PolyPhen-2: "Benign"; Align-GVGD: "Class C0"). ClinVar contains an entry for this variant (Variation ID: 846989). This variant has not been reported in the literature in individuals affected with MYH7-related conditions. This variant is present in population databases (rs769528619, gnomAD 0.003%). This sequence change replaces aspartic acid, which is acidic and polar, with asparagine, which is neutral and polar, at codon 1665 of the MYH7 protein (p.Asp1665Asn).